The following is an entry in ClinVar:

NM_001124758.3(SPNS2):c.987G>A (p.Thr329=)

Gene: SPNS2 (SPNS lysolipid transporter 2, sphingosine-1-phosphate; plus strand). Cytogenetic location: 17p13.2.
Variant type: single nucleotide variant.
Coding change: c.987G>A on transcript NM_001124758.3 (MANE Select); coding-DNA position 987, G replaced by A.
Protein change: p.Thr329=; no amino-acid change (threonine 329 retained).
Molecular consequence: synonymous variant.
Genome position (GRCh38, 1-based): chr17:4,533,028, G>A. VCF-style: chr17-4533028-G-A. GRCh37 (hg19) VCF-style: chr17-4436323-G-A.
Identifiers: ClinVar variation 4980382 (VCV004980382.3).

ClinVar aggregate classification (germline): Uncertain significance. Review status: criteria provided, multiple submitters, no conflicts (2 of 4 stars). 2 submissions from 2 submitters: Uncertain significance (2). Last evaluated 2024-11-27.

Conditions:
Hearing loss, autosomal recessive 115. Also called: Deafness, autosomal recessive 115. Identifiers: MedGen C5193108, MONDO:0032762, OMIM 618457.
SPNS2-related disorder. Also called: SPNS2-related condition.

gnomAD v4.1: 158 of 1,613,150 alleles (0.0098%); highest among the groups gnomAD compares: Non-Finnish European, 0.012%; no homozygotes.

Submissions (2):

PreventionGenetics, part of Exact Sciences
Classification: Uncertain significance for SPNS2-related condition. Last evaluated: 2024-11-27. Review status: criteria provided, single submitter. Criteria: ACMG Guidelines, 2015. Collection method: clinical testing. Allele origin: germline.
Comment: The SPNS2 c.987G>A variant is not predicted to result in an amino acid change (p.=). This variant is predicted to alter splicing based on available splicing prediction software (SpliceAI, Jaganathan et al. 2019. PubMed ID: 30661751). However, the use of computer prediction softwares is not equivalent to functional evidence. To our knowledge, this variant has not been reported in the literature. This variant is reported in 0.018% of alleles in individuals of European (Non-Finnish) descent in gnomAD. At this time, the clinical significance of this variant is uncertain due to the absence of conclusive functional and genetic evidence.

Juno Genomics, Hangzhou Juno Genomics, Inc
Classification: Uncertain significance for Hearing loss, autosomal recessive 115. Review status: criteria provided, single submitter. Criteria: ACMG Guidelines, 2015. Collection method: clinical testing. Allele origin: germline.
Comment: Absent from controls (or at extremely low frequency if recessive) in Genome Aggregation Database.;Multiple lines of computational evidence support a deleterious effect on the gene or gene product.